The following is an entry in ClinVar:

NM_020779.4(WDR35):c.2622A>C (p.Pro874=)

Gene: WDR35 (WD repeat domain 35; minus strand). Cytogenetic location: 2p24.1.
Variant type: single nucleotide variant.
Coding change: c.2622A>C on transcript NM_020779.4 (MANE Select); coding-DNA position 2622, A replaced by C.
Protein change: p.Pro874=; no amino-acid change (proline 874 retained).
Molecular consequence: synonymous variant.
Genome position (GRCh38, 1-based): chr2:19,933,437, T>G on the plus strand (A>C on the coding strand, the complement: WDR35 is on the minus strand). VCF-style: chr2-19933437-T-G. GRCh37 (hg19) VCF-style: chr2-20133198-T-G.
Other names: c.2655A>C (NM_001006657.1); c.2655A>C, p.Pro885= (NM_001006657.2).
Identifiers: ClinVar variation 1652518 (VCV001652518.10), dbSNP rs766138190, ClinGen allele CA1542897.

ClinVar aggregate classification (germline): Likely benign. Review status: criteria provided, single submitter (1 of 4 stars). 2 submissions from 2 submitters: Likely benign (1). 1 of the submissions does not count toward it. Last evaluated 2025-07-14.

Conditions:
Short-rib thoracic dysplasia 7 with or without polydactyly (SRTD7). Also called: Short rib polydactyly syndrome 5; SHORT-RIB THORACIC DYSPLASIA 7 WITH POLYDACTYLY. Identifiers: Orphanet 498497, Orphanet 93271, MedGen C3279792, MONDO:0013569, OMIM 614091.
Cranioectodermal dysplasia 2 (CED2). Identifiers: Orphanet 1515, MedGen C3150874, MONDO:0013323, OMIM 613610.
WDR35-related disorder. Also called: WDR35-related condition; WDR35-related disorders. Identifiers: MedGen CN239419.

gnomAD v4.1: 116 of 1,613,942 alleles (0.0072%); highest among the groups gnomAD compares: Non-Finnish European, 0.0094%; no homozygotes.

Submissions (2):

Labcorp Genetics (formerly Invitae), Labcorp
Classification: Likely benign for Cranioectodermal dysplasia 2; Short-rib thoracic dysplasia 7 with or without polydactyly. Last evaluated: 2025-07-14. Review status: criteria provided, single submitter. Criteria: Invitae Variant Classification Sherloc (09022015). Collection method: clinical testing. Allele origin: germline.

PreventionGenetics, part of Exact Sciences
Classification: Likely benign for WDR35-related condition. Last evaluated: 2022-08-21. Review status: no assertion criteria provided. Collection method: clinical testing. Allele origin: germline. Not counted in ClinVar's aggregate classification.
Comment: This variant is classified as likely benign based on ACMG/AMP sequence variant interpretation guidelines (Richards et al. 2015 PMID: 25741868, with internal and published modifications).